The following is an entry in ClinVar:

ClinVar aggregate classification (germline): Uncertain significance. Review status: criteria provided, multiple submitters, no conflicts (2 of 4 stars). 2 submissions from 2 submitters: Uncertain significance (2). Last evaluated 2026-07-11.

Conditions:
GRHL3-related disorder. Also called: GRHL3-related condition.

gnomAD v4.1: 104 of 1,613,796 alleles (0.0064%); highest among the groups gnomAD compares: Admixed American, 0.028%; no homozygotes.

Submissions (2):

PreventionGenetics, part of Exact Sciences
Classification: Uncertain significance for GRHL3-related condition. Last evaluated: 2026-07-11. Review status: criteria provided, single submitter. Criteria: ACMG Guidelines, 2015. Collection method: clinical testing. Allele origin: germline.
Comment: The GRHL3 c.1744G>A variant is predicted to result in the amino acid substitution p.Val582Ile. To our knowledge, this variant has not been reported in the literature or in a large population database (gnomAD), indicating this variant is rare. At this time, the clinical significance of this variant is uncertain due to the absence of conclusive functional and genetic evidence.

Dasa
Classification: Uncertain significance. Last evaluated: 2025-03-10. Review status: criteria provided, single submitter. Criteria: DASA Assertion Criteria. Collection method: clinical testing. Allele origin: germline.
Comment: NM_198173.3(GRHL3):c.1744G>A (p.Val582Ile) is a missense variant that results in the substitution of valine with isoleucine. This variant is rare in population databases. Computational prediction algorithms are consistent with a benign effect. The currently available literature and clinical evidence are not sufficient to establish a definitive association between this variant and the reported condition. Therefore, this variant is classified as a variant of uncertain significance.

NM_198173.3(GRHL3):c.1744G>A (p.Val582Ile)

Gene: GRHL3 (grainyhead like transcription factor 3; plus strand). Cytogenetic location: 1p36.11.
Variant type: single nucleotide variant.
Coding change: c.1744G>A on transcript NM_198173.3 (MANE Select); coding-DNA position 1744, G replaced by A.
Protein change: p.Val582Ile; replaces valine 582 with isoleucine.
Molecular consequence: missense variant. On other transcripts: intron variant (1).
Genome position (GRCh38, 1-based): chr1:24,354,423, G>A. VCF-style: chr1-24354423-G-A. GRCh37 (hg19) VCF-style: chr1-24680913-G-A.
Other names: c.1744G>A (NM_198173.2); c.1606G>A, p.Val536Ile (NM_001195010.2); c.1759G>A, p.Val587Ile (NM_021180.4); c.1694+4301G>A (NM_198174.3); short protein forms V536I, V582I, V587I.
Identifiers: ClinVar variation 4852677 (VCV004852677.3).